The following is an entry in ClinVar:

ClinVar aggregate classification (germline): Conflicting classifications of pathogenicity. Review status: criteria provided, conflicting classifications (1 of 4 stars). 4 submissions from 4 submitters: Uncertain significance (3); Likely benign (1). Last evaluated 2025-07-14.

Conditions:
Inborn genetic diseases. Identifiers: MedGen C0950123, MeSH D030342.
Spastic paraplegia. Identifiers: MedGen C0037772, HP:0001258.

Allele frequency attached by ClinVar (database versions not stated): ExAC 0.00002; ESP Exome Variant Server 0.00008; 1000 Genomes Project 30x 0.00031.
gnomAD v4.1: 64 of 1,613,840 alleles (0.004%); highest among the groups gnomAD compares: African/African-American, 0.0053%; no homozygotes.

Submissions (4):

Ambry Genetics
Classification: Uncertain significance for Inborn genetic diseases. Last evaluated: 2025-07-14. Review status: criteria provided, single submitter. Criteria: Ambry Variant Classification Scheme 2023. Collection method: clinical testing. Allele origin: germline.

Women's Health and Genetics/Laboratory Corporation of America, LabCorp
Classification: Uncertain significance. Last evaluated: 2025-05-29. Review status: criteria provided, single submitter. Criteria: LabCorp Variant Classification Summary - May 2015. Collection method: clinical testing. Allele origin: germline.
Comment: Variant summary: SACS c.12533C>T (p.Pro4178Leu) results in a non-conservative amino acid change in the encoded protein sequence. Algorithms developed to predict the effect of missense changes on protein structure and function all suggest that this variant is likely to be disruptive. The variant allele was found at a frequency of 3.6e-05 in 251332 control chromosomes (gnomAD). The available data on variant occurrences in the general population are insufficient to allow any conclusion about variant significance. c.12533C>T has been observed in one individuals affected with seizures and hypertonia (Sanchis-Juan_2023). The report does not provide unequivocal conclusions about association of the variant with Charlevoix-Saguenay spastic ataxia. To our knowledge, no experimental evidence demonstrating an impact on protein function has been reported. The following publication have been ascertained in the context of this evaluation (PMID: 37541188). ClinVar contains an entry for this variant (Variation ID: 2086091). Based on the evidence outlined above, the variant was classified as uncertain significance.

Labcorp Genetics (formerly Invitae), Labcorp
Classification: Likely benign for Spastic paraplegia. Last evaluated: 2024-11-21. Review status: criteria provided, single submitter. Criteria: Invitae Variant Classification Sherloc (09022015). Collection method: clinical testing. Allele origin: germline.

Athena Diagnostics
Classification: Uncertain significance. Last evaluated: 2023-09-18. Review status: criteria provided, single submitter. Criteria: Athena Diagnostics Criteria. Collection method: clinical testing. Allele origin: unknown.
Comment: Available data are insufficient to determine the clinical significance of the variant at this time. The frequency of this variant in the general population is uninformative in assessment of its pathogenicity. Computational tools predict that this variant is damaging.

Literature cited by the submitters: PubMed 37541188 (cited by Women's Health and Genetics/Laboratory Corporation of America, LabCorp).

NM_014363.6(SACS):c.12533C>T (p.Pro4178Leu)

Gene: SACS (sacsin molecular chaperone; minus strand). Cytogenetic location: 13q12.12.
Variant type: single nucleotide variant.
Coding change: c.12533C>T on transcript NM_014363.6 (MANE Select); coding-DNA position 12533, C replaced by T.
Protein change: p.Pro4178Leu; replaces proline 4178 with leucine.
Molecular consequence: missense variant.
Genome position (GRCh38, 1-based): chr13:23,331,343, G>A on the plus strand (C>T on the coding strand, the complement: SACS is on the minus strand). VCF-style: chr13-23331343-G-A. GRCh37 (hg19) VCF-style: chr13-23905482-G-A.
Other names: c.12092C>T, p.Pro4031Leu (NM_001278055.2); c.12533C>T (NM_014363.4); short protein forms P4031L, P4178L.
Identifiers: ClinVar variation 2086091 (VCV002086091.9), dbSNP rs376168781, ClinGen allele CA6910137.
Genomic context (GRCh38, chr13:23,331,343, plus strand): 5'-TGGTATGATCCATAGATATCACCACCTTCAGCATCAACAAGGTACCCAACATATTCTCCC[G>A]GGTAAAAAACATTCATTGGGTCCATAAGCAGAGTGTAATGAATTTCAGCAGGAATTGGTG-3'
Protein context (NP_055178.3, residues 4168-4188): LLMDPMNVFY[Pro4178Leu]GEYVGYLVDA